The following is an entry in ClinVar:

NM_000751.3(CHRND):c.127C>T (p.Arg43Trp)

Gene: CHRND (cholinergic receptor nicotinic delta subunit; plus strand). Cytogenetic location: 2q37.1.
Variant type: single nucleotide variant.
Coding change: c.127C>T on transcript NM_000751.3 (MANE Select); coding-DNA position 127, C replaced by T.
Protein change: p.Arg43Trp; replaces arginine 43 with tryptophan.
Molecular consequence: missense variant. On other transcripts: 5 prime UTR variant (2).
Genome position (GRCh38, 1-based): chr2:232,526,603, C>T. VCF-style: chr2-232526603-C-T. GRCh37 (hg19) VCF-style: chr2-233391313-C-T.
Other names: c.127C>T, p.Arg43Trp (NM_001256657.2); c.-145C>T (NM_001311195.2, NM_001311196.2); short protein forms R43W.
Identifiers: ClinVar variation 420109 (VCV000420109.18), dbSNP rs55868108, ClinGen allele CA2167903.
Genomic context (GRCh38, chr2:232,526,603, plus strand): 5'-AACGAGGAGGAGCGGCTGATCCGGCACCTGTTTCAAGAGAAGGGCTACAACAAGGAGCTC[C>T]GGCCCGTGGCACACAAAGAGGAGAGTGTGGACGTTGCCCTGGCCCTCACACTCTCCAACC-3'
Protein context (NP_000742.1, residues 33-53): FQEKGYNKEL[Arg43Trp]PVAHKEESVD

ClinVar aggregate classification (germline): Pathogenic/Likely pathogenic. Review status: criteria provided, multiple submitters, no conflicts (2 of 4 stars). 4 submissions from 4 submitters: Pathogenic (2); Likely pathogenic (1). 1 of the submissions does not count toward it. Last evaluated 2025-11-23.

Conditions:
Congenital myasthenic syndrome 3A. Also called: Myasthenic syndrome, congenital, 3a, slow-channel. Identifiers: Orphanet 590, MedGen C4225372, MONDO:0014583, OMIM 616321.
Lethal multiple pterygium syndrome (LMPS). Identifiers: Orphanet 33108, MedGen C1854678, MONDO:0009668, OMIM 253290.

Allele frequency attached by ClinVar (database versions not stated): gnomAD 0.00001 and 0.00002; TOPMed 0.00001; gnomAD exomes 0.00004 and 0.00005; ExAC 0.00005.
gnomAD v4.1: 78 of 1,613,690 alleles (0.0048%); highest among the groups gnomAD compares: South Asian, 0.0055%; no homozygotes.

Submissions (4):

Labcorp Genetics (formerly Invitae), Labcorp
Classification: Likely pathogenic for Lethal multiple pterygium syndrome. Last evaluated: 2025-11-23. Review status: criteria provided, single submitter. Criteria: Invitae Variant Classification Sherloc (09022015). Collection method: clinical testing. Allele origin: germline.
Comment: This sequence change replaces arginine, which is basic and polar, with tryptophan, which is neutral and slightly polar, at codon 43 of the CHRND protein (p.Arg43Trp). This variant is present in population databases (rs55868108, gnomAD 0.009%). This missense change has been observed in individual(s) with autosomal recessive congenital myasthenic syndrome (PMID: 25264167). In at least one individual the data is consistent with being in trans (on the opposite chromosome) from a pathogenic variant. ClinVar contains an entry for this variant (Variation ID: 420109). Invitae Evidence Modeling of protein sequence and biophysical properties (such as structural, functional, and spatial information, amino acid conservation, physicochemical variation, residue mobility, and thermodynamic stability) indicates that this missense variant is expected to disrupt CHRND protein function with a positive predictive value of 95%. Experimental studies have shown that this missense change affects CHRND function (PMID: 25264167). In summary, the currently available evidence indicates that the variant is pathogenic, but additional data are needed to prove that conclusively. Therefore, this variant has been classified as Likely Pathogenic.

GeneDx
Classification: Pathogenic. Last evaluated: 2025-10-19. Review status: criteria provided, single submitter. Criteria: GeneDx Variant Classification Process June 2021. Collection method: clinical testing. Allele origin: germline. Affected: yes.
Comment: Published functional studies indicate cells harboring the R43W variant result in AChR deficiency at the neuromuscular junction (PMID: 25264167); Not observed at significant frequency in large population cohorts (gnomAD); In silico analysis supports that this missense variant has a deleterious effect on protein structure/function; This variant is associated with the following publications: (PMID: 22678886, 25264167)

Revvity Omics, Revvity
Classification: Pathogenic. Last evaluated: 2019-07-10. Review status: criteria provided, single submitter. Criteria: ACMG Guidelines, 2015. Collection method: clinical testing. Allele origin: germline.

Baylor Genetics
Classification: Uncertain significance for Congenital myasthenic syndrome 3A. Last evaluated: 2019-07-14. Review status: flagged submission. Criteria: ACMG Guidelines, 2015. Collection method: clinical testing. Allele origin: unknown. Affected: yes. Not counted in ClinVar's aggregate classification.
Comment: This variant was determined to be of uncertain significance according to ACMG Guidelines, 2015 [PMID:25741868].
ClinVar note: Reason: Outlier claim with insufficient supporting evidence

Literature cited by the submitters: PubMed 25264167 (cited by Labcorp Genetics (formerly Invitae), Labcorp).